The following is an entry in ClinVar:

NM_005214.5(CTLA4):c.228G>C (p.Gln76His)

Gene: CTLA4 (cytotoxic T-lymphocyte associated protein 4; plus strand). Cytogenetic location: 2q33.2.
Variant type: single nucleotide variant.
Coding change: c.228G>C on transcript NM_005214.5 (MANE Select); coding-DNA position 228, G replaced by C.
Protein change: p.Gln76His; replaces glutamine 76 with histidine.
Molecular consequence: missense variant.
Genome position (GRCh38, 1-based): chr2:203,870,704, G>C. VCF-style: chr2-203870704-G-C. GRCh37 (hg19) VCF-style: chr2-204735427-G-C.
Other names: c.228G>C, p.Gln76His (NM_001037631.3); short protein forms Q76H.
Identifiers: ClinVar variation 2443104 (VCV002443104.2), dbSNP rs2469719303, ClinGen allele CA350138330.
Genomic context (GRCh38, chr2:203,870,704, plus strand): 5'-TGTGTGTGAGTATGCATCTCCAGGCAAAGCCACTGAGGTCCGGGTGACAGTGCTTCGGCA[G>C]GCTGACAGCCAGGTGACTGAAGTCTGTGCGGCAACCTACATGATGGGGAATGAGTTGACC-3'
Protein context (NP_005205.2, residues 66-86): ATEVRVTVLR[Gln76His]ADSQVTEVCA

ClinVar aggregate classification (germline): Uncertain significance (0 of 4 stars; one submission).

Submission:

Genetic Services Laboratory, University of Chicago
Classification: Uncertain significance. Last evaluated: 2022-05-23. Review status: no assertion criteria provided. Collection method: clinical testing. Allele origin: germline. Affected: no.
Comment: DNA sequence analysis of the CTLA4 gene demonstrated a sequence change, c.228G>C, in exon 2 that results in an amino acid change, p.Gln76His. This sequence change does not appear to have been previously described in individuals with CTLA4-related disorders and has also not been described in population databases such as ExAC and gnomAD. The p.Gln76His change affects a highly conserved amino acid residue located in a domain of the CTLA4 protein that is known to be functional. In-silico pathogenicity prediction tools (SIFT, PolyPhen2, Align GVGD, REVEL) provide contradictory results for the p.Gln76His substitution. Due to insufficient evidences and the lack of functional studies, the clinical significance of the p.Gln76His change remains unknown at this time.